The following is an entry in ClinVar:

ClinVar aggregate classification (germline): Uncertain significance (1 of 4 stars; one submission).

Conditions:
Left ventricular noncompaction 8 (LVNC8). Identifiers: Orphanet 154, Orphanet 54260, MedGen C3809288, MONDO:0014152, OMIM 615373.

Submission:

Labcorp Genetics (formerly Invitae), Labcorp
Classification: Uncertain significance for Left ventricular noncompaction 8. Last evaluated: 2025-04-18. Review status: criteria provided, single submitter. Criteria: Invitae Variant Classification Sherloc (09022015). Collection method: clinical testing. Allele origin: germline.
Comment: This variant, c.3478_3480del, results in the deletion of 1 amino acid(s) of the PRDM16 protein (p.Glu1160del), but otherwise preserves the integrity of the reading frame. The frequency data for this variant in the population databases is considered unreliable, as metrics indicate poor data quality at this position in the gnomAD database. This variant has not been reported in the literature in individuals affected with PRDM16-related conditions. Experimental studies and prediction algorithms are not available or were not evaluated, and the functional significance of this variant is currently unknown. In summary, the available evidence is currently insufficient to determine the role of this variant in disease. Therefore, it has been classified as a Variant of Uncertain Significance.

NM_022114.4(PRDM16):c.3475GAG[1] (p.Glu1160del)

Gene: PRDM16 (PR/SET domain 16; plus strand). Cytogenetic location: 1p36.32.
Variant type: Microsatellite.
Coding change: c.3475GAG[1] on transcript NM_022114.4 (MANE Select); one copy of the 3-base unit GAG starting at c.3475; the reference has two copies in a row; one copy, 3 bases deleted.
Protein change: p.Glu1160del; deletes glutamic acid 1160.
Molecular consequence: inframe deletion.
Genome position (GRCh38, 1-based): chr1:3,431,065-3,431,067, GAG deleted; deleting any 3 consecutive bases within chr1:3,431,062-3,431,067 gives the same sequence; the position shown is the placement nearest the transcript's 3' end. VCF-style (leftmost placement, unchanged base first): chr1-3431061-TGAG-T. GRCh37 (hg19) VCF-style: chr1-3347625-TGAG-T.
Other names: c.3475GAG[1], p.Glu1160del (NM_199454.3); short protein forms E1160del.
Identifiers: ClinVar variation 1387188 (VCV001387188.6), dbSNP rs747338094, ClinGen allele CA544879.